The following is an entry in ClinVar:

NM_001098511.3(KIF2A):c.1069A>G (p.Lys357Glu)

Gene: KIF2A (kinesin family member 2A; plus strand). Cytogenetic location: 5q12.1.
Variant type: single nucleotide variant.
Coding change: c.1069A>G on transcript NM_001098511.3 (MANE Select); coding-DNA position 1069, A replaced by G.
Protein change: p.Lys357Glu; replaces lysine 357 with glutamic acid.
Molecular consequence: missense variant.
Genome position (GRCh38, 1-based): chr5:62,362,491, A>G. VCF-style: chr5-62362491-A-G. GRCh37 (hg19) VCF-style: chr5-61658318-A-G.
Other names: c.988A>G, p.Lys330Glu (NM_001243952.2); c.1012A>G, p.Lys338Glu (NM_001243953.2); c.1069A>G, p.Lys357Glu (NM_004520.5); c.1069A>G (NM_001098511.2); short protein forms K338E, K357E, K330E.
Identifiers: ClinVar variation 3670726 (VCV003670726.3).

ClinVar aggregate classification (germline): Uncertain significance. Review status: criteria provided, multiple submitters, no conflicts (2 of 4 stars). 2 submissions from 2 submitters: Uncertain significance (2). Last evaluated 2026-06-10.

Conditions:
Inborn genetic diseases. Identifiers: MedGen C0950123, MeSH D030342.

Submissions (2):

Ambry Genetics
Classification: Uncertain significance for Inborn genetic diseases. Last evaluated: 2026-06-10. Review status: criteria provided, single submitter. Criteria: Ambry Variant Classification Scheme 2023. Collection method: clinical testing. Allele origin: germline.

Labcorp Genetics (formerly Invitae), Labcorp
Classification: Uncertain significance. Last evaluated: 2024-07-11. Review status: criteria provided, single submitter. Criteria: Invitae Variant Classification Sherloc (09022015). Collection method: clinical testing. Allele origin: germline.
Comment: This sequence change replaces lysine, which is basic and polar, with glutamic acid, which is acidic and polar, at codon 357 of the KIF2A protein (p.Lys357Glu). This variant is not present in population databases (gnomAD no frequency). This variant has not been reported in the literature in individuals affected with KIF2A-related conditions. An algorithm developed to predict the effect of missense changes on protein structure and function (PolyPhen-2) suggests that this variant is likely to be disruptive. In summary, the available evidence is currently insufficient to determine the role of this variant in disease. Therefore, it has been classified as a Variant of Uncertain Significance.